The following is an entry in ClinVar:

ClinVar aggregate classification (germline): Uncertain significance (1 of 4 stars; one submission).

Submission:

GeneDx
Classification: Uncertain significance. Last evaluated: 2019-12-19. Review status: criteria provided, single submitter. Criteria: GeneDx Variant Classification Process June 2021. Collection method: clinical testing. Allele origin: germline. Affected: yes.
Comment: Not observed in large population cohorts (Lek et al., 2016); In silico analysis, which includes protein predictors and evolutionary conservation, supports a deleterious effect; Has not been previously published as pathogenic or benign to our knowledge

NM_001378609.3(OTOGL):c.5369T>C (p.Phe1790Ser)

Gene: OTOGL (otogelin like; plus strand). Cytogenetic location: 12q21.31.
Variant type: single nucleotide variant.
Coding change: c.5369T>C on transcript NM_001378609.3 (MANE Select); coding-DNA position 5369, T replaced by C.
Protein change: p.Phe1790Ser; replaces phenylalanine 1790 with serine.
Molecular consequence: missense variant.
Genome position (GRCh38, 1-based): chr12:80,352,398, T>C. VCF-style: chr12-80352398-T-C. GRCh37 (hg19) VCF-style: chr12-80746178-T-C.
Other names: c.5234T>C, p.Phe1745Ser (NM_001368062.3); c.5369T>C, p.Phe1790Ser (NM_001378610.3, NM_173591.7); short protein forms F1745S, F1790S.
Identifiers: ClinVar variation 1311297 (VCV001311297.2), dbSNP rs2138001917, ClinGen allele CA385885211.